The following is an entry in ClinVar:

NM_001042681.2(RERE):c.3010C>G (p.Pro1004Ala)

Gene: RERE (arginine-glutamic acid dipeptide repeats; minus strand). Cytogenetic location: 1p36.23.
Variant type: single nucleotide variant.
Coding change: c.3010C>G on transcript NM_001042681.2 (MANE Select); coding-DNA position 3010, C replaced by G.
Protein change: p.Pro1004Ala; replaces proline 1004 with alanine.
Molecular consequence: missense variant.
Genome position (GRCh38, 1-based): chr1:8,360,497, G>C on the plus strand (C>G on the coding strand, the complement: RERE is on the minus strand). VCF-style: chr1-8360497-G-C. GRCh37 (hg19) VCF-style: chr1-8420557-G-C.
Other names: c.1348C>G, p.Pro450Ala (NM_001042682.2); c.3010C>G, p.Pro1004Ala (NM_012102.4); short protein forms P1004A, P450A.
Identifiers: ClinVar variation 4891036 (VCV004891036.1).

ClinVar aggregate classification (germline): Uncertain significance (1 of 4 stars; one submission).

gnomAD v4.1: 2 of 1,382,322 alleles (0.00014%); highest among the groups gnomAD compares: Non-Finnish European, 0.00019%; no homozygotes.

Submission:

Greenwood Genetic Center Diagnostic Laboratories, Greenwood Genetic Center
Classification: Uncertain significance. Last evaluated: 2026-04-28. Review status: criteria provided, single submitter. Criteria: ACMG Guidelines, 2015. Collection method: clinical testing. Allele origin: germline.
Comment: PM2, BP4